The following is an entry in ClinVar:

ClinVar aggregate classification (germline): Uncertain significance (1 of 4 stars; one submission).

gnomAD v4.1: 1 of 1,613,906 alleles (0.000062%); highest among the groups gnomAD compares: African/African-American, 0.0013%; no homozygotes.

Submission:

Labcorp Genetics (formerly Invitae), Labcorp
Classification: Uncertain significance. Last evaluated: 2022-12-06. Review status: criteria provided, single submitter. Criteria: Invitae Variant Classification Sherloc (09022015). Collection method: clinical testing. Allele origin: germline.
Comment: This variant has not been reported in the literature in individuals affected with RORB-related conditions. This sequence change replaces histidine, which is basic and polar, with arginine, which is basic and polar, at codon 235 of the RORB protein (p.His235Arg). This variant is not present in population databases (gnomAD no frequency). ClinVar contains an entry for this variant (Variation ID: 1414582). Algorithms developed to predict the effect of missense changes on protein structure and function (SIFT, PolyPhen-2, Align-GVGD) all suggest that this variant is likely to be tolerated. In summary, the available evidence is currently insufficient to determine the role of this variant in disease. Therefore, it has been classified as a Variant of Uncertain Significance.

NM_006914.4(RORB):c.704A>G (p.His235Arg)

Gene: RORB (RAR related orphan receptor B; plus strand). Cytogenetic location: 9q21.13.
Variant type: single nucleotide variant.
Coding change: c.704A>G on transcript NM_006914.4 (MANE Select); coding-DNA position 704, A replaced by G.
Protein change: p.His235Arg; replaces histidine 235 with arginine.
Molecular consequence: missense variant.
Genome position (GRCh38, 1-based): chr9:74,660,683, A>G. VCF-style: chr9-74660683-A-G. GRCh37 (hg19) VCF-style: chr9-77275599-A-G.
Other names: c.737A>G, p.His246Arg (NM_001365023.1); short protein forms H235R, H246R.
Identifiers: ClinVar variation 1414582 (VCV001414582.6), dbSNP rs199910289, ClinGen allele CA373770501.